The following is an entry in ClinVar:

ClinVar aggregate classification (germline): Uncertain significance. Review status: criteria provided, multiple submitters, no conflicts (2 of 4 stars). 3 submissions from 3 submitters: Uncertain significance (2). 1 of the submissions does not count toward it. Last evaluated 2022-02-03.

Conditions:
Nemaline myopathy 2 (NEM2). Also called: Nemaline myopathy 2, autosomal recessive. Identifiers: MedGen C1850569, MONDO:0009725, OMIM 256030.

Allele frequency attached by ClinVar (database versions not stated): gnomAD exomes below 0.00001.

Submissions (3):

Labcorp Genetics (formerly Invitae), Labcorp
Classification: Uncertain significance for Nemaline myopathy 2. Last evaluated: 2022-02-03. Review status: criteria provided, single submitter. Criteria: Invitae Variant Classification Sherloc (09022015). Collection method: clinical testing. Allele origin: germline.
Comment: In summary, the available evidence is currently insufficient to determine the role of this variant in disease. Therefore, it has been classified as a Variant of Uncertain Significance. Algorithms developed to predict the effect of missense changes on protein structure and function are either unavailable or do not agree on the potential impact of this missense change (SIFT: "Deleterious"; PolyPhen-2: "Not Available"; Align-GVGD: "Class C0"). ClinVar contains an entry for this variant (Variation ID: 580236). This variant has not been reported in the literature in individuals affected with NEB-related conditions. This variant is not present in population databases (gnomAD no frequency). This sequence change replaces tryptophan, which is neutral and slightly polar, with cysteine, which is neutral and slightly polar, at codon 6306 of the NEB protein (p.Trp6306Cys).

Revvity Omics, Revvity
Classification: Uncertain significance. Last evaluated: 2020-12-14. Review status: criteria provided, single submitter. Criteria: ACMG Guidelines, 2015. Collection method: clinical testing. Allele origin: germline.

Natera, Inc.
Classification: Uncertain significance for Nemaline myopathy type 2. Last evaluated: 2020-09-16. Review status: no assertion criteria provided. Collection method: clinical testing. Allele origin: germline. Not counted in ClinVar's aggregate classification.

NM_001164508.2(NEB):c.18918G>T (p.Trp6306Cys)

Gene: NEB (nebulin; minus strand). Cytogenetic location: 2q23.3.
Variant type: single nucleotide variant.
Coding change: c.18918G>T on transcript NM_001164508.2 (MANE Select); coding-DNA position 18918, G replaced by T.
Protein change: p.Trp6306Cys; replaces tryptophan 6306 with cysteine.
Molecular consequence: missense variant.
Genome position (GRCh38, 1-based): chr2:151,562,188, C>A on the plus strand (G>T on the coding strand, the complement: NEB is on the minus strand). VCF-style: chr2-151562188-C-A. GRCh37 (hg19) VCF-style: chr2-152418702-C-A.
Other names: c.18918G>T, p.Trp6306Cys (NM_001164507.2, NM_001271208.2); c.13815G>T, p.Trp4605Cys (NM_004543.5); short protein forms W6306C, W4605C.
Identifiers: ClinVar variation 580236 (VCV000580236.12), dbSNP rs1559952676, ClinGen allele CA348797105.